The following is an entry in ClinVar:

NM_013266.4(CTNNA3):c.2265+2T>A

Gene: CTNNA3 (catenin alpha 3; minus strand). Cytogenetic location: 10q21.3.
Variant type: single nucleotide variant.
Coding change: c.2265+2T>A on transcript NM_013266.4 (MANE Select); the canonical splice donor site of the intron after coding-DNA position 2265, T replaced by A.
Molecular consequence: splice donor variant.
Genome position (GRCh38, 1-based): chr10:65,988,690, A>T on the plus strand (T>A on the coding strand, the complement: CTNNA3 is on the minus strand). VCF-style: chr10-65988690-A-T. GRCh37 (hg19) VCF-style: chr10-67748448-A-T.
Other names: c.2265+2T>A (NM_001127384.3).
Identifiers: ClinVar variation 1006536 (VCV001006536.8), dbSNP rs2078476917, ClinGen allele CA377089197.

ClinVar aggregate classification (germline): Uncertain significance (1 of 4 stars; one submission).

Conditions:
Arrhythmogenic right ventricular dysplasia 13. Also called: Arrhythmogenic right ventricular dysplasia, familial, 13; ARRHYTHMOGENIC RIGHT VENTRICULAR CARDIOMYOPATHY 13. Identifiers: MedGen C3810138, MONDO:0000908, OMIM 615616.

Submission:

Labcorp Genetics (formerly Invitae), Labcorp
Classification: Uncertain significance for Arrhythmogenic right ventricular dysplasia 13. Last evaluated: 2020-01-10. Review status: criteria provided, single submitter. Criteria: Invitae Variant Classification Sherloc (09022015). Collection method: clinical testing. Allele origin: germline.
Comment: In summary, the available evidence is currently insufficient to determine the role of this variant in disease. Therefore, it has been classified as a Variant of Uncertain Significance. The current clinical and genetic evidence is not sufficient to establish whether loss-of-function variants in CTNNA3 cause disease. Algorithms developed to predict the effect of sequence changes on RNA splicing suggest that this variant may disrupt the consensus splice site, but this prediction has not been confirmed by published transcriptional studies. This variant has not been reported in the literature in individuals with CTNNA3-related conditions. This variant is not present in population databases (ExAC no frequency). This sequence change affects a donor splice site in intron 16 of the CTNNA3 gene. It is expected to disrupt RNA splicing and likely results in an absent or disrupted protein product.